The following is an entry in ClinVar:

NM_001378452.1(ITPR1):c.4843-8C>T

Genes: BRRIAR (BHLHE40 and RIG-I regulating ITPR1 antisense RNA; minus strand), ITPR1 (inositol 1,4,5-trisphosphate receptor type 1; plus strand). Cytogenetic location: 3p26.1.
Variant type: single nucleotide variant.
Coding change: c.4843-8C>T on transcript NM_001378452.1 (MANE Select); 8 bases into the intron before coding-DNA position 4843, C replaced by T.
Molecular consequence: intron variant.
Genome position (GRCh38, 1-based): chr3:4,710,317, C>T. VCF-style: chr3-4710317-C-T. GRCh37 (hg19) VCF-style: chr3-4752001-C-T.
Other names: c.4816-8C>T (NM_001099952.4); c.4798-8C>T (NM_001168272.2); c.4771-8C>T (NM_002222.7).
Identifiers: ClinVar variation 447591 (VCV000447591.62), dbSNP rs41304179, ClinGen allele CA2232128.

ClinVar aggregate classification (germline): Benign/Likely benign. Review status: criteria provided, multiple submitters, no conflicts (2 of 4 stars). 11 submissions from 11 submitters: Benign (1); Likely benign (5). 5 of the submissions do not count toward it. Last evaluated 2026-08-01.

Conditions:
Autosomal dominant cerebellar ataxia. Also called: Spinocerebellar Ataxia, Dominant. Identifiers: Orphanet 99, MedGen C4087347, MONDO:0020380.
ITPR1-related disorder. Also called: ITPR1-related condition.
Intellectual disability. Also called: Intellectual developmental disorder; Intellectual functioning disability; intellectual disabilities. Identifiers: MedGen C3714756, MeSH D008607, MONDO:0001071, HP:0001249.

Allele frequency attached by ClinVar (database versions not stated): 1000 Genomes Project 0.00020; 1000 Genomes Project 30x 0.00031; gnomAD exomes 0.00087; ESP Exome Variant Server 0.00094; TOPMed 0.00104; gnomAD 0.00115 and 0.00119; ExAC 0.00127.
gnomAD v4.1: 2,711 of 1,536,034 alleles (0.18%); highest among the groups gnomAD compares: Non-Finnish European, 0.22%; 7 homozygotes.

Submissions (11):

CeGaT Center for Human Genetics Tuebingen
Classification: Likely benign. Last evaluated: 2026-08-01. Review status: criteria provided, single submitter. Criteria: CeGaT Center For Human Genetics Tuebingen Variant Classification Criteria Version 2. Collection method: clinical testing. Allele origin: germline. Affected: yes. Observed: 11 variant alleles.
Comment: ITPR1: BP4, BS1

Labcorp Genetics (formerly Invitae), Labcorp
Classification: Likely benign. Last evaluated: 2025-12-27. Review status: criteria provided, single submitter. Criteria: Invitae Variant Classification Sherloc (09022015). Collection method: clinical testing. Allele origin: germline.

Athena Diagnostics
Classification: Benign. Last evaluated: 2025-08-06. Review status: criteria provided, single submitter. Criteria: Athena Diagnostics Criteria. Collection method: clinical testing. Allele origin: unknown.
Comment: The frequency of this variant in the general population is higher than would generally be expected for pathogenic variants in this gene.

Blueprint Genetics
Classification: Likely benign. Last evaluated: 2024-11-01. Review status: criteria provided, single submitter. Criteria: ACMG Guidelines, 2015. Collection method: clinical testing. Allele origin: germline.

GeneDx
Classification: Likely benign. Last evaluated: 2021-04-20. Review status: criteria provided, single submitter. Criteria: GeneDx Variant Classification Process June 2021. Collection method: clinical testing. Allele origin: germline. Affected: yes.

Illumina Laboratory Services, Illumina
Classification: Likely benign for Spinocerebellar Ataxia, Dominant. Last evaluated: 2018-01-13. Review status: criteria provided, single submitter. Criteria: ICSL Variant Classification Criteria 13 December 2019. Collection method: clinical testing. Allele origin: germline.
Comment: This variant was observed in the ICSL laboratory as part of a predisposition screen in an ostensibly healthy population. It had not been previously curated by ICSL or reported in the Human Gene Mutation Database (HGMD: prior to June 1st, 2018), and was therefore a candidate for classification through an automated scoring system. Utilizing variant allele frequency, disease prevalence and penetrance estimates, and inheritance mode, an automated score was calculated to assess if this variant is too frequent to cause the disease. Based on the score and internal cut-off values, a variant classified as likely benign is not then subjected to further curation. The score for this variant resulted in a classification of likely benign for this disease.

PreventionGenetics, part of Exact Sciences
Classification: Likely benign for ITPR1-related condition. Last evaluated: 2024-02-27. Review status: no assertion criteria provided. Collection method: clinical testing. Allele origin: germline. Not counted in ClinVar's aggregate classification.
Comment: This variant is classified as likely benign based on ACMG/AMP sequence variant interpretation guidelines (Richards et al. 2015 PMID: 25741868, with internal and published modifications).

Centre de Biologie Pathologie Génétique, Centre Hospitalier Universitaire de Lille
Classification: Likely benign for Intellectual disability. Last evaluated: 2019-01-01. Review status: no assertion criteria provided. Collection method: clinical testing. Allele origin: inherited. Affected: yes. Not counted in ClinVar's aggregate classification.

Clinical Genetics DNA and cytogenetics Diagnostics Lab, Erasmus MC, Erasmus Medical Center
Classification: Likely benign. Review status: no assertion criteria provided. Collection method: clinical testing. Allele origin: germline. Affected: yes. Study: VKGL Data-share Consensus. Not counted in ClinVar's aggregate classification.

Genome Diagnostics Laboratory, University Medical Center Utrecht
Classification: Likely benign. Review status: no assertion criteria provided. Collection method: clinical testing. Allele origin: germline. Affected: yes. Study: VKGL Data-share Consensus. Not counted in ClinVar's aggregate classification.

Laboratory of Diagnostic Genome Analysis, Leiden University Medical Center (LUMC)
Classification: Likely benign. Review status: no assertion criteria provided. Collection method: clinical testing. Allele origin: germline. Affected: yes. Study: VKGL Data-share Consensus. Not counted in ClinVar's aggregate classification.